The following is an entry in ClinVar:

NM_004525.3(LRP2):c.13291A>G (p.Ile4431Val)

Gene: LRP2 (LDL receptor related protein 2; minus strand). Cytogenetic location: 2q31.1.
Variant type: single nucleotide variant.
Coding change: c.13291A>G on transcript NM_004525.3 (MANE Select); coding-DNA position 13291, A replaced by G.
Protein change: p.Ile4431Val; replaces isoleucine 4431 with valine.
Molecular consequence: missense variant.
Genome position (GRCh38, 1-based): chr2:169,139,348, T>C on the plus strand (A>G on the coding strand, the complement: LRP2 is on the minus strand). VCF-style: chr2-169139348-T-C. GRCh37 (hg19) VCF-style: chr2-169995858-T-C.
Other names: short protein forms I4431V.
Identifiers: ClinVar variation 2105640 (VCV002105640.3), dbSNP rs1685636744, ClinGen allele CA349155865.
Genomic context (GRCh38, chr2:169,139,348, plus strand): 5'-TCCTTCTATAGTGGAAGAATCCTGCAATTGCCAGAGCTCCAATTACGACGATCAAGAGGA[T>C]TGTCAACAGCACAGCTACTGCGGCTATAGAAGAAGATAGCAGAGAGCACATCAACACATG-3'
Protein context (NP_004516.2, residues 4421-4441): GTTAVAVLLT[Ile4431Val]LLIVVIGALA

ClinVar aggregate classification (germline): Uncertain significance (1 of 4 stars; one submission).

Allele frequency attached by ClinVar (database versions not stated): TOPMed below 0.00001; gnomAD exomes below 0.00001.
gnomAD v4.1: 9 of 1,614,068 alleles (0.00056%); highest among the groups gnomAD compares: East Asian, 0.0045%; no homozygotes.

Submission:

Labcorp Genetics (formerly Invitae), Labcorp
Classification: Uncertain significance. Last evaluated: 2025-04-21. Review status: criteria provided, single submitter. Criteria: Invitae Variant Classification Sherloc (09022015). Collection method: clinical testing. Allele origin: germline.
Comment: This sequence change replaces isoleucine, which is neutral and non-polar, with valine, which is neutral and non-polar, at codon 4431 of the LRP2 protein (p.Ile4431Val). This variant is not present in population databases (gnomAD no frequency). This variant has not been reported in the literature in individuals affected with LRP2-related conditions. ClinVar contains an entry for this variant (Variation ID: 2105640). Invitae Evidence Modeling of protein sequence and biophysical properties (such as structural, functional, and spatial information, amino acid conservation, physicochemical variation, residue mobility, and thermodynamic stability) indicates that this missense variant is not expected to disrupt LRP2 protein function with a negative predictive value of 95%. In summary, the available evidence is currently insufficient to determine the role of this variant in disease. Therefore, it has been classified as a Variant of Uncertain Significance.